The following is an entry in ClinVar:

ClinVar aggregate classification (germline): Uncertain significance (1 of 4 stars; one submission).

Conditions:
NRP2-related disorder. Also called: NRP2-related condition.

gnomAD v4.1: 5 of 1,614,194 alleles (0.00031%); highest among the groups gnomAD compares: Admixed American, 0.0033%; no homozygotes.

Submission:

PreventionGenetics, part of Exact Sciences
Classification: Uncertain significance for NRP2-related condition. Last evaluated: 2025-09-19. Review status: criteria provided, single submitter. Criteria: ACMG Guidelines, 2015. Collection method: clinical testing. Allele origin: germline.
Comment: The NRP2 c.1974G>T variant is predicted to result in the amino acid substitution p.Met658Ile. To our knowledge, this variant has not been reported in the literature. This variant is reported in 0.0058% of alleles in individuals of Latino descent in gnomAD. At this time, the clinical significance of this variant is uncertain due to the absence of conclusive functional and genetic evidence.

NM_003872.3(NRP2):c.1974G>T (p.Met658Ile)

Genes: NRP2 (neuropilin 2; plus strand), LOC126806481 (CDK7 strongly-dependent group 2 enhancer GRCh37_chr2:206617009-206618208; plus strand). Cytogenetic location: 2q33.3.
Variant type: single nucleotide variant.
Coding change: c.1974G>T on transcript NM_003872.3 (MANE Select); coding-DNA position 1974, G replaced by T.
Protein change: p.Met658Ile; replaces methionine 658 with isoleucine.
Molecular consequence: missense variant.
Genome position (GRCh38, 1-based): chr2:205,752,905, G>T. VCF-style: chr2-205752905-G-T. GRCh37 (hg19) VCF-style: chr2-206617629-G-T.
Other names: c.1974G>T, p.Met658Ile (NM_018534.4, NM_201266.2, NM_201267.2 and 1 more transcripts); short protein forms M658I.
Identifiers: ClinVar variation 4977548 (VCV004977548.1).
Genomic context (GRCh38, chr2:205,752,905, plus strand): 5'-GCAGCTCCCTTCGGGATTCAATTGCAACTTCGATTTCCTCGAGGAGCCCTGTGGTTGGAT[G>T]TATGACCATGCCAAGTGGCTCCGGACCACCTGGGCCAGCAGCTCCAGCCCAAACGACCGG-3'
Protein context (NP_003863.2, residues 648-668): FDFLEEPCGW[Met658Ile]YDHAKWLRTT